The following is an entry in ClinVar:

NM_031407.7(HUWE1):c.4006A>G (p.Met1336Val)

Gene: HUWE1 (HECT, UBA and WWE domain containing E3 ubiquitin protein ligase 1; minus strand). Cytogenetic location: Xp11.22.
Variant type: single nucleotide variant.
Coding change: c.4006A>G on transcript NM_031407.7 (MANE Select); coding-DNA position 4006, A replaced by G.
Protein change: p.Met1336Val; replaces methionine 1336 with valine.
Molecular consequence: missense variant.
Genome position (GRCh38, 1-based): chrX:53,591,089, T>C on the plus strand (A>G on the coding strand, the complement: HUWE1 is on the minus strand). VCF-style: chrX-53591089-T-C. GRCh37 (hg19) VCF-style: chrX-53618049-T-C.
Other names: c.4006A>G (NM_031407.4, NM_031407.6); short protein forms M1336V.
Identifiers: ClinVar variation 624423 (VCV000624423.45), dbSNP rs782123207, ClinGen allele CA10422469.

ClinVar aggregate classification (germline): Conflicting classifications of pathogenicity. Review status: criteria provided, conflicting classifications (1 of 4 stars). 3 submissions from 3 submitters: Uncertain significance (2); Likely benign (1). Last evaluated 2025-06-25.

Conditions:
Inborn genetic diseases. Identifiers: MedGen C0950123, MeSH D030342.
HUWE1-related disorder. Also called: HUWE1-related condition.

Allele frequency attached by ClinVar (database versions not stated): ExAC 0.00002; gnomAD exomes 0.00002; gnomAD 0.00005.

Submissions (3):

Ambry Genetics
Classification: Uncertain significance for Inborn genetic diseases. Last evaluated: 2025-06-25. Review status: criteria provided, single submitter. Criteria: Ambry Variant Classification Scheme 2023. Collection method: clinical testing. Allele origin: germline.

PreventionGenetics, part of Exact Sciences
Classification: Likely benign for HUWE1-related condition. Last evaluated: 2024-12-16. Review status: criteria provided, single submitter. Criteria: ACMG Guidelines, 2015. Collection method: clinical testing. Allele origin: germline.
Comment: This variant is classified as likely benign based on ACMG/AMP sequence variant interpretation guidelines (Richards et al. 2015 PMID: 25741868, with internal and published modifications).

CeGaT Center for Human Genetics Tuebingen
Classification: Uncertain significance. Last evaluated: 2018-07-01. Review status: criteria provided, single submitter. Criteria: CeGaT Center For Human Genetics Tuebingen Variant Classification Criteria Version 2. Collection method: clinical testing. Allele origin: germline. Affected: yes. Observed: 2 variant alleles.